The following is an entry in ClinVar:

ClinVar aggregate classification (germline): Uncertain significance. Review status: criteria provided, multiple submitters, no conflicts (2 of 4 stars). 2 submissions from 2 submitters: Uncertain significance (2). Last evaluated 2026-04-01.

Conditions:
ZBTB7A-related disorder. Also called: ZBTB7A-related condition.

Submissions (2):

CeGaT Center for Human Genetics Tuebingen
Classification: Uncertain significance. Last evaluated: 2026-04-01. Review status: criteria provided, single submitter. Criteria: CeGaT Center For Human Genetics Tuebingen Variant Classification Criteria Version 2. Collection method: clinical testing. Allele origin: germline. Affected: yes. Observed: 1 variant allele.
Comment: ZBTB7A: PM2, PP2

PreventionGenetics, part of Exact Sciences
Classification: Uncertain significance for ZBTB7A-related condition. Last evaluated: 2023-07-17. Review status: criteria provided, single submitter. Criteria: ACMG Guidelines, 2015. Collection method: clinical testing. Allele origin: germline.
Comment: The ZBTB7A c.26T>G variant is predicted to result in the amino acid substitution p.Ile9Ser. To our knowledge, this variant has not been reported in the literature or in a large population database, indicating this variant is rare. Although we suspect that this variant may be pathogenic, at this time, the clinical significance of this variant is uncertain due to the absence of conclusive functional and genetic evidence.

NM_015898.4(ZBTB7A):c.26T>G (p.Ile9Ser)

Gene: ZBTB7A (zinc finger and BTB domain containing 7A; minus strand). Cytogenetic location: 19p13.3.
Variant type: single nucleotide variant.
Coding change: c.26T>G on transcript NM_015898.4 (MANE Select); coding-DNA position 26, T replaced by G.
Protein change: p.Ile9Ser; replaces isoleucine 9 with serine.
Molecular consequence: missense variant.
Genome position (GRCh38, 1-based): chr19:4,055,207, A>C on the plus strand (T>G on the coding strand, the complement: ZBTB7A is on the minus strand). VCF-style: chr19-4055207-A-C. GRCh37 (hg19) VCF-style: chr19-4055205-A-C.
Other names: c.26T>G, p.Ile9Ser (NM_001317990.2); short protein forms I9S.
Identifiers: ClinVar variation 2632285 (VCV002632285.3), dbSNP rs2512277851, ClinGen allele CA403370384.
Genomic context (GRCh38, chr19:4,055,207, plus strand): 5'-GTCCGCTGCTCGTTCAGCCCACTCAGGATGTCGCTGCTGTGGTCGGGGAACGGGATCCCG[A>C]TGGGGCCGTCCACGCCGCCGGCCATCTTCCGCGCCGAGACCTGCAGCAGTGGGGAAGGAG-3'
Protein context (NP_056982.1, residues 1-19): MAGGVDGP[Ile9Ser]GIPFPDHSSD